The following is an entry in ClinVar:

NM_004304.5(ALK):c.2972A>T (p.Glu991Val)

Gene: ALK (ALK receptor tyrosine kinase; minus strand). Cytogenetic location: 2p23.2.
Variant type: single nucleotide variant.
Coding change: c.2972A>T on transcript NM_004304.5 (MANE Select); coding-DNA position 2972, A replaced by T.
Protein change: p.Glu991Val; replaces glutamic acid 991 with valine.
Molecular consequence: missense variant.
Genome position (GRCh38, 1-based): chr2:29,227,017, T>A on the plus strand (A>T on the coding strand, the complement: ALK is on the minus strand). VCF-style: chr2-29227017-T-A. GRCh37 (hg19) VCF-style: chr2-29449883-T-A.
Other names: short protein forms E991V.
Identifiers: ClinVar variation 4843237 (VCV004843237.1).

ClinVar aggregate classification (germline): Uncertain significance (1 of 4 stars; one submission).

Conditions:
Hereditary cancer-predisposing syndrome. Also called: Neoplastic Syndromes, Hereditary; Tumor predisposition; Hereditary Cancer Syndrome; Hereditary neoplastic syndrome. Identifiers: Orphanet 140162, MedGen C0027672, MeSH D009386, MONDO:0015356.

Submission:

Ambry Genetics
Classification: Uncertain significance for Hereditary cancer-predisposing syndrome. Last evaluated: 2025-12-15. Review status: criteria provided, single submitter. Criteria: Ambry Variant Classification Scheme 2023. Collection method: clinical testing. Allele origin: germline.
Comment: The p.E991V variant (also known as c.2972A>T), located in coding exon 18 of the ALK gene, results from an A to T substitution at nucleotide position 2972. The glutamic acid at codon 991 is replaced by valine, an amino acid with dissimilar properties. This amino acid position is conserved. In addition, the in silico prediction for this alteration is inconclusive. Based on the available evidence, the clinical significance of this variant remains unclear.